The following is an entry in ClinVar:

NM_002755.4(MAP2K1):c.38C>T (p.Pro13Leu)

Gene: MAP2K1 (mitogen-activated protein kinase kinase 1; plus strand). Cytogenetic location: 15q22.31.
Variant type: single nucleotide variant.
Coding change: c.38C>T on transcript NM_002755.4 (MANE Select); coding-DNA position 38, C replaced by T.
Protein change: p.Pro13Leu; replaces proline 13 with leucine.
Molecular consequence: missense variant.
Genome position (GRCh38, 1-based): chr15:66,387,385, C>T. VCF-style: chr15-66387385-C-T. GRCh37 (hg19) VCF-style: chr15-66679723-C-T.
Other names: short protein forms P13L.
Identifiers: ClinVar variation 3636602 (VCV003636602.2).

ClinVar aggregate classification (germline): Uncertain significance (1 of 4 stars; one submission).

Conditions:
RASopathy. Also called: Noonan spectrum disorder; rasopathies. Identifiers: Orphanet 536391, MedGen C5555857, MONDO:0021060.

Submission:

Labcorp Genetics (formerly Invitae), Labcorp
Classification: Uncertain significance for RASopathy. Last evaluated: 2024-07-11. Review status: criteria provided, single submitter. Criteria: Invitae Variant Classification Sherloc (09022015). Collection method: clinical testing. Allele origin: germline.
Comment: This sequence change replaces proline, which is neutral and non-polar, with leucine, which is neutral and non-polar, at codon 13 of the MAP2K1 protein (p.Pro13Leu). This variant is not present in population databases (gnomAD no frequency). This variant has not been reported in the literature in individuals affected with MAP2K1-related conditions. Advanced modeling of protein sequence and biophysical properties (such as structural, functional, and spatial information, amino acid conservation, physicochemical variation, residue mobility, and thermodynamic stability) performed at Invitae indicates that this missense variant is expected to disrupt MAP2K1 protein function with a positive predictive value of 95%. In summary, the available evidence is currently insufficient to determine the role of this variant in disease. Therefore, it has been classified as a Variant of Uncertain Significance.